The following is an entry in ClinVar:

NM_001278431.2(C1QTNF5):c.214+6A>G

Genes: C1QTNF5 (C1q and TNF related 5; minus strand), MFRP (membrane frizzled-related protein; minus strand). Cytogenetic location: 11q23.3.
Variant type: single nucleotide variant.
Coding change: c.214+6A>G on transcript NM_001278431.2 (MANE Select); 6 bases into the intron after coding-DNA position 214, A replaced by G.
Molecular consequence: intron variant.
Genome position (GRCh38, 1-based): chr11:119,340,178, T>C on the plus strand (A>G on the coding strand, the complement: C1QTNF5 is on the minus strand). VCF-style: chr11-119340178-T-C. GRCh37 (hg19) VCF-style: chr11-119210888-T-C.
Other names: c.214+6A>G (NM_015645.5); c.*1110+6A>G (NM_031433.4).
Identifiers: ClinVar variation 1036936 (VCV001036936.9), dbSNP rs1950486987, ClinGen allele CA2003915035.

ClinVar aggregate classification (germline): Uncertain significance (1 of 4 stars; one submission).

Submission:

Labcorp Genetics (formerly Invitae), Labcorp
Classification: Uncertain significance. Last evaluated: 2020-01-31. Review status: criteria provided, single submitter. Criteria: Invitae Variant Classification Sherloc (09022015). Collection method: clinical testing. Allele origin: germline.
Comment: In summary, the available evidence is currently insufficient to determine the role of this variant in disease. Therefore, it has been classified as a Variant of Uncertain Significance. Nucleotide substitutions within the consensus splice site are a relatively common cause of aberrant splicing (PMID: 17576681, 9536098). Algorithms developed to predict the effect of sequence changes on RNA splicing suggest that this variant is not likely to affect RNA splicing, but this prediction has not been confirmed by published transcriptional studies. This variant has not been reported in the literature in individuals with C1QTNF5-related conditions. The frequency data for this variant in the population databases is considered unreliable, as metrics indicate insufficient coverage at this position in the ExAC database. This sequence change falls in intron 14 of the C1QTNF5 gene. It does not directly change the encoded amino acid sequence of the C1QTNF5 protein, but it affects a nucleotide within the consensus splice site of the intron.

Literature cited by the submitters: PubMed 17576681; PubMed 9536098.